The following is an entry in ClinVar:

ClinVar aggregate classification (germline): Uncertain significance (1 of 4 stars; one submission).

Conditions:
RASA2-related disorder. Also called: RASA2-related condition.

Submission:

PreventionGenetics, part of Exact Sciences
Classification: Uncertain significance for RASA2-related condition. Last evaluated: 2022-10-19. Review status: criteria provided, single submitter. Criteria: ACMG Guidelines, 2015. Collection method: clinical testing. Allele origin: germline.
Comment: The RASA2 c.409T>C variant is predicted to result in the amino acid substitution p.Trp137Arg. To our knowledge, this variant has not been reported in the literature or in a large population database, indicating this variant is rare. At this time, the clinical significance of this variant is uncertain due to the absence of conclusive functional and genetic evidence.

NM_006506.5(RASA2):c.409T>C (p.Trp137Arg)

Gene: RASA2 (RAS p21 protein activator 2; plus strand). Cytogenetic location: 3q23.
Variant type: single nucleotide variant.
Coding change: c.409T>C on transcript NM_006506.5 (MANE Select); coding-DNA position 409, T replaced by C.
Protein change: p.Trp137Arg; replaces tryptophan 137 with arginine.
Molecular consequence: missense variant.
Genome position (GRCh38, 1-based): chr3:141,529,761, T>C. VCF-style: chr3-141529761-T-C. GRCh37 (hg19) VCF-style: chr3-141248603-T-C.
Other names: c.409T>C, p.Trp137Arg (NM_001303245.3, NM_001303246.3); short protein forms W137R.
Identifiers: ClinVar variation 2637155 (VCV002637155.1), dbSNP rs2478525003, ClinGen allele CA354772115.